The following is an entry in ClinVar:

NM_015192.4(PLCB1):c.921T>G (p.Val307=)

Gene: PLCB1 (phospholipase C beta 1; plus strand). Cytogenetic location: 20p12.3.
Variant type: single nucleotide variant.
Coding change: c.921T>G on transcript NM_015192.4 (MANE Select); coding-DNA position 921, T replaced by G.
Protein change: p.Val307=; no amino-acid change (valine 307 retained).
Molecular consequence: synonymous variant.
Genome position (GRCh38, 1-based): chr20:8,684,990, T>G. VCF-style: chr20-8684990-T-G. GRCh37 (hg19) VCF-style: chr20-8665637-T-G.
Other names: c.921T>G, p.Val307= (NM_182734.3).
Identifiers: ClinVar variation 2672875 (VCV002672875.23), dbSNP rs2515229610, ClinGen allele CA509628829.
Genomic context (GRCh38, chr20:8,684,990, plus strand): 5'-AGGACAAATATCAGTGGATGGGTTCATGCGCTATCTGAGTGGAGAAGAAAACGGAGTCGT[T>G]TCACCTGAGAAACTGGATTTGAATGAAGACATGTCTCAGCCCCTTTCTCACTATTTCATT-3'
Protein context (NP_056007.1, residues 297-317): RYLSGEENGV[Val307=]SPEKLDLNED

ClinVar aggregate classification (germline): Likely benign (1 of 4 stars; one submission).

Submission:

CeGaT Center for Human Genetics Tuebingen
Classification: Likely benign. Last evaluated: 2023-11-01. Review status: criteria provided, single submitter. Criteria: CeGaT Center For Human Genetics Tuebingen Variant Classification Criteria Version 2. Collection method: clinical testing. Allele origin: germline. Affected: yes. Observed: 1 variant allele.
Comment: PLCB1: PM2:Supporting, BP4, BP7